The following is an entry in ClinVar:

NM_000093.5(COL5A1):c.5357dup (p.Asp1787fs)

Genes: COL5A1 (collagen type V alpha 1 chain; plus strand), LOC101448202 (uncharacterized LOC101448202; minus strand). Cytogenetic location: 9q34.3.
Variant type: Duplication.
Coding change: c.5357dup on transcript NM_000093.5 (MANE Select); coding-DNA position 5357, one base duplicated (T; older notation c.5357dupT).
Protein change: p.Asp1787fs; shifts the reading frame from aspartic acid 1787.
Molecular consequence: frameshift variant.
Genome position (GRCh38, 1-based): chr9:134,835,191, T duplicated. VCF-style (leftmost placement, unchanged base first): chr9-134835190-G-GT. GRCh37 (hg19) VCF-style: chr9-137727036-G-GT.
Other names: c.5357dup, p.Asp1787fs (NM_001278074.1); short protein forms D1787fs.
Identifiers: ClinVar variation 213035 (VCV000213035.3), dbSNP rs863223475, ClinGen allele CA322042.
Genomic context (GRCh38, chr9:134,835,190, plus strand): 5'-TTCCTGGGCTCCAACGACGAGGAGATGTCCTATGACAACAACCCCTACATCCGCGCCCTG[G>GT]TGGACGGCTGTGCTGTGAGTATCCCGCGCCGCGCCCAGCACCCCTGCTCACGCCTCCGTG-3'

ClinVar aggregate classification (germline): Pathogenic. Review status: criteria provided, multiple submitters, no conflicts (2 of 4 stars). 2 submissions from 2 submitters: Pathogenic (2). Last evaluated 2021-12-16.

Conditions:
Fibromuscular dysplasia, multifocal. Identifiers: MedGen C5543412, MONDO:0859151, OMIM 619329.
Ehlers-Danlos syndrome, classic type, 1 (EDSCL1). Also called: Ehlers-Danlos Syndrome, Classic Type, COL5A1-Related; EHLERS-DANLOS SYNDROME, GRAVIS TYPE; EHLERS-DANLOS SYNDROME, SEVERE CLASSIC TYPE; Ehlers-Danlos syndrome, type 1; EDS I. Identifiers: MedGen C0268335, MONDO:0019567, OMIM 130000.

Submissions (2):

Fulgent Genetics
Classification: Pathogenic for Ehlers-Danlos syndrome, classic type, 1; Fibromuscular dysplasia, multifocal. Last evaluated: 2021-12-16. Review status: criteria provided, single submitter. Criteria: ACMG Guidelines, 2015. Collection method: clinical testing. Allele origin: unknown.

GeneDx
Classification: Pathogenic. Last evaluated: 2014-03-15. Review status: criteria provided, single submitter. Criteria: GeneDx Variant Classification (06012015). Collection method: clinical testing. Allele origin: germline. Affected: yes.
Comment: Although the c.5357dupT variant in the COL5A1 gene has not been reported to our knowledge, this variant causes a shift in reading frame starting at codon Aspartic acid 1787, changing it to a Glycine, and creating a premature stop codon at position 33 of the new reading frame, denoted p.Asp1787GlyfsX33. This variant is expected to result in an abnormal, truncated protein product. Numerous other frameshift mutations in the COL5A1 gene have been reported in association with classic-type EDS (Malfait F et al., 2011).In summary, c.5357dupT in the COL5A1 gene is interpreted as a pathogenic variant.